The following is an entry in ClinVar:

NM_199420.4(POLQ):c.116T>C (p.Leu39Pro)

Genes: POLQ (DNA polymerase theta; minus strand), LOC112872292 (Sharpr-MPRA regulatory region 30; plus strand). Cytogenetic location: 3q13.33.
Variant type: single nucleotide variant.
Coding change: c.116T>C on transcript NM_199420.4 (MANE Select); coding-DNA position 116, T replaced by C.
Protein change: p.Leu39Pro; replaces leucine 39 with proline.
Molecular consequence: missense variant.
Genome position (GRCh38, 1-based): chr3:121,545,762, A>G on the plus strand (T>C on the coding strand, the complement: POLQ is on the minus strand). VCF-style: chr3-121545762-A-G. GRCh37 (hg19) VCF-style: chr3-121264609-A-G.
Other names: short protein forms L39P.
Identifiers: ClinVar variation 3308651 (VCV003308651.1).

ClinVar aggregate classification (germline): Uncertain significance (1 of 4 stars; one submission).

Submission:

Ambry Genetics
Classification: Uncertain significance. Last evaluated: 2024-04-25. Review status: criteria provided, single submitter. Criteria: Ambry Variant Classification Scheme 2023. Collection method: clinical testing. Allele origin: germline.
Comment: The p.L39P variant (also known as c.116T>C), located in coding exon 1 of the POLQ gene, results from a T to C substitution at nucleotide position 116. The leucine at codon 39 is replaced by proline, an amino acid with similar properties. This amino acid position is conserved. In addition, the in silico prediction for this alteration is inconclusive. Based on the available evidence, the clinical significance of this variant remains unclear.